The following is an entry in ClinVar:

NM_002110.5(HCK):c.694G>A (p.Gly232Arg)

Gene: HCK (HCK proto-oncogene, Src family tyrosine kinase; plus strand). Cytogenetic location: 20q11.21.
Variant type: single nucleotide variant.
Coding change: c.694G>A on transcript NM_002110.5 (MANE Select); coding-DNA position 694, G replaced by A.
Protein change: p.Gly232Arg; replaces glycine 232 with arginine.
Molecular consequence: missense variant.
Genome position (GRCh38, 1-based): chr20:32,084,402, G>A. VCF-style: chr20-32084402-G-A. GRCh37 (hg19) VCF-style: chr20-30672205-G-A.
Other names: c.631G>A, p.Gly211Arg (NM_001172129.3, NM_001172133.3); c.691G>A, p.Gly231Arg (NM_001172130.3); c.628G>A, p.Gly210Arg (NM_001172131.3); c.634G>A, p.Gly212Arg (NM_001172132.3); short protein forms G210R, G211R, G212R, G231R, G232R.
Identifiers: ClinVar variation 3352024 (VCV003352024.3).

ClinVar aggregate classification (germline): Uncertain significance. Review status: criteria provided, single submitter (1 of 4 stars). 2 submissions from 2 submitters: Uncertain significance (1). 1 of the submissions does not count toward it. Last evaluated 2026-04-01.

Conditions:
HCK-related condition.

gnomAD v4.1: 57 of 1,613,252 alleles (0.0035%); highest among the groups gnomAD compares: Non-Finnish European, 0.0041%; no homozygotes.

Submissions (2):

CeGaT Center for Human Genetics Tuebingen
Classification: Uncertain significance. Last evaluated: 2026-04-01. Review status: criteria provided, single submitter. Criteria: CeGaT Center For Human Genetics Tuebingen Variant Classification Criteria Version 2. Collection method: clinical testing. Allele origin: germline. Affected: yes. Observed: 1 variant allele.
Comment: HCK: PM2

PreventionGenetics, part of Exact Sciences
Classification: Uncertain significance for HCK-related condition. Last evaluated: 2024-09-19. Review status: no assertion criteria provided. Collection method: clinical testing. Allele origin: germline. Not counted in ClinVar's aggregate classification.
Comment: The HCK c.694G>A variant is predicted to result in the amino acid substitution p.Gly232Arg. To our knowledge, this variant has not been reported in the literature. This variant is reported in 0.012% of alleles in individuals of African descent in gnomAD, which may be too common to be causative. Although we suspect that this variant may be benign, at this time, the clinical significance of this variant is uncertain due to the absence of conclusive functional and genetic evidence.